The following is an entry in ClinVar:

ClinVar aggregate classification (germline): Conflicting classifications of pathogenicity. Review status: criteria provided, conflicting classifications (1 of 4 stars). 6 submissions from 6 submitters: Pathogenic (1); Likely pathogenic (2); Uncertain significance (3). Last evaluated 2026-07-21.

Conditions:
Long QT syndrome (LQTS). Identifiers: MedGen C0023976, MeSH D008133, MONDO:0002442. Disease mechanism: loss of function. Inheritance: Various modes of inheritance.
Cardiovascular phenotype. Identifiers: MedGen CN230736.
Long QT syndrome 1 (LQT1). Identifiers: Orphanet 101016, Orphanet 768, MedGen C4551647, MONDO:0100316, OMIM 192500, MONDO:0008646.
Atrial fibrillation, familial, 3 (ATFB3). Identifiers: MedGen C1837014, MONDO:0011857, OMIM 607554.
Short QT syndrome type 2. Identifiers: Orphanet 51083, MedGen C1865019, MONDO:0012313, OMIM 609621.
Jervell and Lange-Nielsen syndrome 1 (JLNS1). Also called: DEAFNESS, CONGENITAL, AND FUNCTIONAL HEART DISEASE; PROLONGED QT INTERVAL IN EKG AND SUDDEN DEATH; SURDO-CARDIAC SYNDROME; CARDIOAUDITORY SYNDROME OF JERVELL AND LANGE-NIELSEN. Identifiers: Orphanet 768, Orphanet 90647, MedGen C4551509, MONDO:0024540, OMIM 220400.

gnomAD v4.1: 3 of 1,613,702 alleles (0.00019%); highest among the groups gnomAD compares: East Asian, 0.0022%; no homozygotes.

Submissions (6):

GeneDx
Classification: Likely pathogenic. Last evaluated: 2026-07-21. Review status: criteria provided, single submitter. Criteria: GeneDx Variant Classification Process June 2021. Collection method: clinical testing. Allele origin: germline.
Comment: Identified in patients with LQTS referred for genetic testing at GeneDx and in published literature (PMID: 34505893); Not observed at significant frequency in large population cohorts (gnomAD); In silico analysis supports that this missense variant has a deleterious effect on protein structure/function; Published functional studies demonstrated that the p.(A300E) variant dramatically reduced whole-cell current traces in vitro (PMID: 34379075); This variant is associated with the following publications: (PMID: 34505893, 34379075)

Ambry Genetics
Classification: Likely pathogenic for Cardiovascular phenotype. Last evaluated: 2025-03-12. Review status: criteria provided, single submitter. Criteria: Ambry Variant Classification Scheme 2023. Collection method: clinical testing. Allele origin: germline.
Comment: The c.899C>A (p.A300E) alteration is located in exon 6 (coding exon 6) of the KCNQ1 gene. This alteration results from a C to A substitution at nucleotide position 899, causing the alanine (A) at amino acid position 300 to be replaced by a glutamic acid (E). This variant was not reported in population-based cohorts in the Genome Aggregation Database (gnomAD). This variant was reported in individual(s) with features consistent with long QT syndrome (Webster, 2021; Schwartz, 2021; external communication). This variant has been identified in the homozygous state and/or in conjunction with other KCNQ1 variant(s) in individual(s) with features consistent with long QT syndrome; in at least one instance, the variants were identified in trans (external communication). This amino acid position is highly conserved in available vertebrate species. This alteration is predicted to be deleterious by in silico analysis. Based on the available evidence, this alteration is classified as likely pathogenic.

Women's Health and Genetics/Laboratory Corporation of America, LabCorp
Classification: Uncertain significance. Last evaluated: 2024-07-25. Review status: criteria provided, single submitter. Criteria: LabCorp Variant Classification Summary - May 2015. Collection method: clinical testing. Allele origin: germline.
Comment: Variant summary: KCNQ1 c.899C>A (p.Ala300Glu) results in a non-conservative amino acid change located in the Ion transport domain of the encoded protein sequence. Five of five in-silico tools predict a damaging effect of the variant on protein function. The variant was absent in 249898 control chromosomes. The available data on variant occurrences in the general population are insufficient to allow any conclusion about variant significance. c.899C>A has been reported in the literature in individuals suspected of long QT syndrome type 1 (example: Schwartz_2021) . To our knowledge, no experimental evidence demonstrating an impact on protein function has been reported. The following publication has been ascertained in the context of this evaluation (PMID: 34505893). ClinVar contains an entry for this variant (Variation ID: 405257). Based on the evidence outlined above, the variant was classified as VUS-possibly pathogenic.

Labcorp Genetics (formerly Invitae), Labcorp
Classification: Pathogenic for Long QT syndrome. Last evaluated: 2024-03-22. Review status: criteria provided, single submitter. Criteria: Invitae Variant Classification Sherloc (09022015). Collection method: clinical testing. Allele origin: germline.
Comment: This sequence change replaces alanine, which is neutral and non-polar, with glutamic acid, which is acidic and polar, at codon 300 of the KCNQ1 protein (p.Ala300Glu). This variant is not present in population databases (gnomAD no frequency). This missense change has been observed in individual(s) with Jervell and Lange-Nielsen syndrome and/or long QT syndrome (Invitae). In at least one individual the data is consistent with being in trans (on the opposite chromosome) from a pathogenic variant. ClinVar contains an entry for this variant (Variation ID: 405257). Advanced modeling of protein sequence and biophysical properties (such as structural, functional, and spatial information, amino acid conservation, physicochemical variation, residue mobility, and thermodynamic stability) performed at Invitae indicates that this missense variant is expected to disrupt KCNQ1 protein function with a positive predictive value of 95%. This variant disrupts the p.Ala300 amino acid residue in KCNQ1. Other variant(s) that disrupt this residue have been observed in individuals with KCNQ1-related conditions (PMID: 9641694, 11087258, 27251404, 28600177, 30571187, 33693037; Invitae), which suggests that this may be a clinically significant amino acid residue. For these reasons, this variant has been classified as Pathogenic.

All of Us Research Program, National Institutes of Health
Classification: Uncertain significance for Long QT syndrome. Last evaluated: 2024-01-11. Review status: criteria provided, single submitter. Criteria: ACMG Guidelines, 2015. Collection method: clinical testing. Allele origin: germline. Inheritance: Autosomal dominant inheritance. Observed: 1 variant allele, 1 heterozygote.
Comment: This study involves interpretation of variants in research participants for the purpose of population health screening. Participant phenotype was not available at the time of variant classification. Additional details can be found in publication PMID: 35346344, PMCID: PMC8962531

Center for Genomics, Ann and Robert H. Lurie Children's Hospital of Chicago
Classification: Uncertain significance for Short QT syndrome type 2; Atrial fibrillation, familial, 3; Long QT syndrome 1; Jervell and Lange-Nielsen syndrome 1. Review status: criteria provided, single submitter. Criteria: ACMG Guidelines, 2015. Collection method: clinical testing. Allele origin: germline.
Comment: KCNQ1 NM_000218.2 exon 6 p.Ala300Glu (c.899C>A): This variant has not been reported in the literature and is not present in large control databases. This variant is present in ClinVar (Variation ID:405257). Evolutionary conservation and computational predictive tools suggest that this variant may impact the protein. In summary, data on this variant is insufficient for disease classification. Therefore, the clinical significance of this variant is uncertain.

Literature cited by the submitters: PubMed 34379075 (cited by Ambry Genetics); PubMed 34505893 (cited by Ambry Genetics and Women's Health and Genetics/Laboratory Corporation of America, LabCorp); PubMed 9641694 (cited by Labcorp Genetics (formerly Invitae), Labcorp); PubMed 11087258 (cited by Labcorp Genetics (formerly Invitae), Labcorp); PubMed 27251404 (cited by Labcorp Genetics (formerly Invitae), Labcorp); PubMed 28600177 (cited by Labcorp Genetics (formerly Invitae), Labcorp); PubMed 30571187 (cited by Labcorp Genetics (formerly Invitae), Labcorp); PubMed 33693037 (cited by Labcorp Genetics (formerly Invitae), Labcorp).

NM_000218.3(KCNQ1):c.899C>A (p.Ala300Glu)

Gene: KCNQ1 (potassium voltage-gated channel subfamily Q member 1; plus strand). Cytogenetic location: 11p15.5.
Variant type: single nucleotide variant.
Coding change: c.899C>A on transcript NM_000218.3 (MANE Select); coding-DNA position 899, C replaced by A.
Protein change: p.Ala300Glu; replaces alanine 300 with glutamic acid.
Molecular consequence: missense variant.
Genome position (GRCh38, 1-based): chr11:2,572,964, C>A. VCF-style: chr11-2572964-C-A. GRCh37 (hg19) VCF-style: chr11-2594194-C-A.
Other names: c.899C>A, p.Ala300Glu (NM_001406836.1); c.629C>A, p.Ala210Glu (NM_001406837.1); c.518C>A, p.Ala173Glu (NM_181798.2); short protein forms A300E, A173E, A210E.
Identifiers: ClinVar variation 405257 (VCV000405257.18), dbSNP rs1001293702, ClinGen allele CA16613563.